The following is an entry in ClinVar:

ClinVar aggregate classification (germline): Conflicting classifications of pathogenicity. Review status: criteria provided, conflicting classifications (1 of 4 stars). 3 submissions from 3 submitters: Likely pathogenic (1); Uncertain significance (2). Last evaluated 2025-12-01.

Conditions:
Retinitis pigmentosa with or without situs inversus. Also called: Retinitis pigmentosa 82 with or without situs inversus; Retinitis pigmentosa 82. Identifiers: Orphanet 791, MedGen C4747737, MONDO:0014186, OMIM 615434.

Submissions (3):

Department of Molecular Genetics, Istishari Arab Hospital
Classification: Likely pathogenic for Retinitis pigmentosa with or without situs inversus. Last evaluated: 2025-12-01. Review status: criteria provided, single submitter. Criteria: ACMG Guidelines, 2015. Collection method: clinical testing. Allele origin: germline. Inheritance: Autosomal recessive inheritance. Affected: yes.
Comment: cDNA sequencing of exons 2–5 of the ARL2BP gene revealed a 5-base-pair intronic inclusion within exon 4. This aberrant transcript demonstrates a splicing defect and confirms the pathogenicity of the ARL2BP variant c.101-7G>A.

Labcorp Genetics (formerly Invitae), Labcorp
Classification: Uncertain significance. Last evaluated: 2022-06-04. Review status: criteria provided, single submitter. Criteria: Invitae Variant Classification Sherloc (09022015). Collection method: clinical testing. Allele origin: germline.
Comment: This sequence change falls in intron 2 of the ARL2BP gene. It does not directly change the encoded amino acid sequence of the ARL2BP protein. This variant is not present in population databases (gnomAD no frequency). This variant has been observed in individual(s) with clinical features of ARL2BP-related conditions (Invitae). ClinVar contains an entry for this variant (Variation ID: 1064073). Algorithms developed to predict the effect of sequence changes on RNA splicing suggest that this variant may disrupt the consensus splice site. In summary, the available evidence is currently insufficient to determine the role of this variant in disease. Therefore, it has been classified as a Variant of Uncertain Significance.

Blueprint Genetics
Classification: Uncertain significance. Last evaluated: 2021-03-26. Review status: criteria provided, single submitter. Criteria: ACMG Guidelines, 2015. Collection method: clinical testing. Allele origin: germline.

NM_012106.4(ARL2BP):c.101-7G>A

Gene: ARL2BP (ARF like GTPase 2 binding protein; plus strand). Cytogenetic location: 16q13.
Variant type: single nucleotide variant.
Coding change: c.101-7G>A on transcript NM_012106.4 (MANE Select); 7 bases into the intron before coding-DNA position 101, G replaced by A.
Molecular consequence: intron variant.
Genome position (GRCh38, 1-based): chr16:57,248,530, G>A. VCF-style: chr16-57248530-G-A. GRCh37 (hg19) VCF-style: chr16-57282442-G-A.
Other names: c.101-7G>A (NM_012106.3).
Identifiers: ClinVar variation 1064073 (VCV001064073.12), dbSNP rs2146428393, ClinGen allele CA2499223606.
Genomic context (GRCh38, chr16:57,248,530, plus strand): 5'-CTACTTATAAATCATAATGGTTGGTAATCTCCATTAAAAAGAATAAATTTTCCCCACTGT[G>A]GTTCAGATGACGAGTTCCAGTTATTACAGAGAAATTTCATGGACAAGTACTACCTGGAGT-3'